The following is an entry in ClinVar:

NM_001145809.2(MYH14):c.5959C>T (p.Arg1987Ter)

Gene: MYH14 (myosin heavy chain 14; plus strand). Cytogenetic location: 19q13.33.
Variant type: single nucleotide variant.
Coding change: c.5959C>T on transcript NM_001145809.2 (MANE Select); coding-DNA position 5959, C replaced by T.
Protein change: p.Arg1987Ter; replaces arginine 1987 with a stop codon.
Molecular consequence: nonsense.
Genome position (GRCh38, 1-based): chr19:50,309,176, C>T. VCF-style: chr19-50309176-C-T. GRCh37 (hg19) VCF-style: chr19-50812433-C-T.
Other names: c.5860C>T, p.Arg1954Ter (NM_001077186.2); c.5836C>T, p.Arg1946Ter (NM_024729.4); short protein forms R1987*, R1946*, R1954*.
Identifiers: ClinVar variation 164207 (VCV000164207.5), dbSNP rs727503230, ClinGen allele CA176929.

ClinVar aggregate classification (germline): Uncertain significance. Review status: criteria provided, multiple submitters, no conflicts (2 of 4 stars). 2 submissions from 2 submitters: Uncertain significance (2). Last evaluated 2023-10-17.

Allele frequency attached by ClinVar (database versions not stated): gnomAD exomes below 0.00001.
gnomAD v4.1: 4 of 1,613,742 alleles (0.00025%); highest among the groups gnomAD compares: South Asian, 0.0022%; no homozygotes.

Submissions (2):

Women's Health and Genetics/Laboratory Corporation of America, LabCorp
Classification: Uncertain significance. Last evaluated: 2023-10-17. Review status: criteria provided, single submitter. Criteria: LabCorp Variant Classification Summary - May 2015. Collection method: clinical testing. Allele origin: germline.
Comment: Variant summary: MYH14 c.5836C>T (p.Arg1946X) results in a premature termination codon which is predicted to cause a truncation of the encoded protein, but is not expected to result in nonsense mediated decay. The variant was absent in 249144 control chromosomes (gnomAD). To our knowledge, no occurrence of c.5836C>T in individuals affected with Autosomal Dominant Deafness and no experimental evidence demonstrating its impact on protein function have been reported. No submitters have cited clinical-significance assessments for this variant to ClinVar after 2014. Based on the evidence outlined above, the variant was classified as uncertain significance.

Laboratory for Molecular Medicine, Mass General Brigham Personalized Medicine
Classification: Uncertain significance. Last evaluated: 2013-11-25. Review status: criteria provided, single submitter. Criteria: LMM Criteria. Collection method: clinical testing. Allele origin: germline. Observed: 1 variant allele.
Comment: Variant classified as Uncertain Significance - Favor Pathogenic. The Arg1987X va riant in MYH14 has not been previously reported in individuals with hearing loss or in large population studies. This nonsense variant leads to a premature term ination codon at position 1987 which is 50 amino acid positions upstream of the canonical termination codon. However, the truncation occurs within 50 nucleotide s of the terminal exon-exon junction, and nonsense mediated decay may not occur (Zhang 1998). Therefore, the impact of the variant on the normal function of the protein cannot be predicted. In summary, the clinical significance of this vari ant cannot be determined with certainty; however due to the fact that the varian t is predicted to result in a truncated protein, we would lean towards a more li kely pathogenic role.

Literature cited by the submitters: PubMed 9710612 (cited by Laboratory for Molecular Medicine, Mass General Brigham Personalized Medicine).